The following is an entry in ClinVar:

ClinVar aggregate classification (germline): Pathogenic (1 of 4 stars; one submission).

Conditions:
Inborn genetic diseases. Identifiers: MedGen C0950123, MeSH D030342.

Submission:

Ambry Genetics
Classification: Pathogenic for Inborn genetic diseases. Last evaluated: 2022-06-03. Review status: criteria provided, single submitter. Criteria: Ambry Variant Classification Scheme 2023. Collection method: clinical testing. Allele origin: germline.
Comment: The c.781_791del11 (p.P261Sfs*134) alteration, located in exon 7 (coding exon 7) of the MED25 gene, consists of a deletion of 11 nucleotides from position 781 to 791, causing a translational frameshift with a predicted alternate stop codon after 134 amino acids. This alteration is expected to result in loss of function by premature protein truncation or nonsense-mediated mRNA decay. Based on the available evidence, this alteration is classified as pathogenic.

NM_030973.4(MED25):c.781_791del (p.Pro261fs)

Gene: MED25 (mediator complex subunit 25; plus strand). Cytogenetic location: 19q13.33.
Variant type: Deletion.
Coding change: c.781_791del on transcript NM_030973.4 (MANE Select); coding-DNA positions 781 to 791, 11 bases deleted (CCCCAGCAGCC).
Protein change: p.Pro261fs; shifts the reading frame from proline 261.
Molecular consequence: frameshift variant.
Genome position (GRCh38, 1-based): chr19:49,830,180-49,830,190, CCCCAGCAGCC deleted; deleting any 11 consecutive bases within chr19:49,830,172-49,830,190 gives the same sequence; the c. name uses the placement nearest the transcript's 3' end. VCF-style (leftmost placement, unchanged base first): chr19-49830171-TCAGCAGCCCCC-T. GRCh37 (hg19) VCF-style: chr19-50333428-TCAGCAGCCCCC-T.
Other names: c.781_791del, p.Pro261fs (NM_001378355.1); c.781_791del11 (NM_030973.3); short protein forms P261fs.
Identifiers: ClinVar variation 2285740 (VCV002285740.2), dbSNP rs769412873, ClinGen allele CA9585006.